The following is an entry in ClinVar:

ClinVar aggregate classification (germline): Uncertain significance. Review status: criteria provided, multiple submitters, no conflicts (2 of 4 stars). 2 submissions from 2 submitters: Uncertain significance (2). Last evaluated 2024-12-24.

Conditions:
Inborn genetic diseases. Identifiers: MedGen C0950123, MeSH D030342.

Allele frequency attached by ClinVar (database versions not stated): gnomAD exomes below 0.00001; ExAC 0.00001; TOPMed 0.00006.
gnomAD v4.1: 2 of 1,614,012 alleles (0.00012%); highest among the groups gnomAD compares: Admixed American, 0.0017%; no homozygotes.

Submissions (2):

Ambry Genetics
Classification: Uncertain significance for Inborn genetic diseases. Last evaluated: 2024-12-24. Review status: criteria provided, single submitter. Criteria: Ambry Variant Classification Scheme 2023. Collection method: clinical testing. Allele origin: germline.

Women's Health and Genetics/Laboratory Corporation of America, LabCorp
Classification: Uncertain significance. Last evaluated: 2023-12-21. Review status: criteria provided, single submitter. Criteria: LabCorp Variant Classification Summary - May 2015. Collection method: clinical testing. Allele origin: germline.
Comment: Variant summary: CHAMP1 c.2012T>C (p.Met671Thr) results in a non-conservative amino acid change in the encoded protein sequence. Four of five in-silico tools predict a benign effect of the variant on protein function. The variant allele was found at a frequency of 2.6e-06 in 775530 control chromosomes in the gnomAD database (v4.0 dataset). The available data on variant occurrences in the general population are insufficient to allow any conclusion about variant significance. To our knowledge, no occurrence of c.2012T>C in individuals affected with Intellectual Disability, Autosomal Dominant 40 and no experimental evidence demonstrating its impact on protein function have been reported. No submitters have cited clinical-significance assessments for this variant to ClinVar after 2014. Based on the evidence outlined above, the variant was classified as uncertain significance.

NM_032436.4(CHAMP1):c.2012T>C (p.Met671Thr)

Gene: CHAMP1 (chromosome alignment maintaining phosphoprotein 1; plus strand). Cytogenetic location: 13q34.
Variant type: single nucleotide variant.
Coding change: c.2012T>C on transcript NM_032436.4 (MANE Select); coding-DNA position 2012, T replaced by C.
Protein change: p.Met671Thr; replaces methionine 671 with threonine.
Molecular consequence: missense variant.
Genome position (GRCh38, 1-based): chr13:114,325,854, T>C. VCF-style: chr13-114325854-T-C. GRCh37 (hg19) VCF-style: chr13-115091329-T-C.
Other names: c.2012T>C, p.Met671Thr (NM_001164144.3, NM_001164145.3); c.2012T>C (NM_032436.2); short protein forms M671T.
Identifiers: ClinVar variation 2691375 (VCV002691375.2), dbSNP rs781958255, ClinGen allele CA7070933.